The following is an entry in ClinVar:

ClinVar aggregate classification (germline): Uncertain significance. Review status: criteria provided, multiple submitters, no conflicts (2 of 4 stars). 2 submissions from 2 submitters: Uncertain significance (2). Last evaluated 2024-03-22.

Conditions:
Combined oxidative phosphorylation deficiency 44. Also called: FASTKD2-Related Combined Oxidative Phosphorylation Deficiency. Identifiers: MedGen C5394293, MONDO:0030020, OMIM 618855.

Allele frequency attached by ClinVar (database versions not stated): gnomAD exomes 0.00001; ExAC 0.00004; TOPMed 0.00010; gnomAD 0.00013; ESP Exome Variant Server 0.00023.
gnomAD v4.1: 29 of 1,612,998 alleles (0.0018%); highest among the groups gnomAD compares: African/African-American, 0.036%; no homozygotes.

Submissions (2):

Fulgent Genetics
Classification: Uncertain significance for Combined oxidative phosphorylation deficiency 44. Last evaluated: 2024-03-22. Review status: criteria provided, single submitter. Criteria: ACMG Guidelines, 2015. Collection method: clinical testing. Allele origin: germline.

Labcorp Genetics (formerly Invitae), Labcorp
Classification: Uncertain significance. Last evaluated: 2022-01-13. Review status: criteria provided, single submitter. Criteria: Invitae Variant Classification Sherloc (09022015). Collection method: clinical testing. Allele origin: germline.
Comment: In summary, the available evidence is currently insufficient to determine the role of this variant in disease. Therefore, it has been classified as a Variant of Uncertain Significance. Algorithms developed to predict the effect of missense changes on protein structure and function output the following: SIFT: "Tolerated"; PolyPhen-2: "Benign"; Align-GVGD: "Class C0". The leucine amino acid residue is found in multiple mammalian species, which suggests that this missense change does not adversely affect protein function. This variant has not been reported in the literature in individuals affected with FASTKD2-related conditions. This variant is present in population databases (rs139194124, gnomAD 0.04%). This sequence change replaces methionine, which is neutral and non-polar, with leucine, which is neutral and non-polar, at codon 659 of the FASTKD2 protein (p.Met659Leu).

NM_001136193.2(FASTKD2):c.1975A>C (p.Met659Leu)

Gene: FASTKD2 (FAST kinase domains 2; plus strand). Cytogenetic location: 2q33.3.
Variant type: single nucleotide variant.
Coding change: c.1975A>C on transcript NM_001136193.2 (MANE Select); coding-DNA position 1975, A replaced by C.
Protein change: p.Met659Leu; replaces methionine 659 with leucine.
Molecular consequence: missense variant.
Genome position (GRCh38, 1-based): chr2:206,790,648, A>C. VCF-style: chr2-206790648-A-C. GRCh37 (hg19) VCF-style: chr2-207655372-A-C.
Other names: c.1975A>C, p.Met659Leu (NM_001136194.2, NM_014929.4); c.1975A>C (NM_014929.3); short protein forms M659L.
Identifiers: ClinVar variation 1981706 (VCV001981706.5), dbSNP rs139194124, ClinGen allele CA2075328.